The following is an entry in ClinVar:

ClinVar aggregate classification (germline): Conflicting classifications of pathogenicity. Review status: criteria provided, conflicting classifications (1 of 4 stars). 7 submissions from 7 submitters: Likely pathogenic (1); Uncertain significance (6). Last evaluated 2026-05-12.

Conditions:
RECQL4-related disorder. Also called: RECQL4-related condition; RECQL4-related disorders.
Rothmund-Thomson syndrome type 2 (RTS2). Identifiers: Orphanet 221016, MedGen C5203410, MONDO:0016369, OMIM 268400.
Ovarian cancer. Also called: OVARIAN CANCER, SOMATIC. Identifiers: Orphanet 213500, MedGen C1140680, MONDO:0008170, OMIM 167000.
Baller-Gerold syndrome (BGS). Also called: CRANIOSYNOSTOSIS WITH RADIAL DEFECTS. Identifiers: Orphanet 1225, MedGen C0265308, MONDO:0009039, OMIM 218600.

Allele frequency attached by ClinVar (database versions not stated): gnomAD exomes 0.00004; TOPMed 0.00013; gnomAD 0.00017 and 0.00019; ESP Exome Variant Server 0.00032.
gnomAD v4.1: 78 of 1,578,360 alleles (0.0049%); highest among the groups gnomAD compares: African/African-American, 0.038%; no homozygotes.

Submissions (7):

PreventionGenetics, part of Exact Sciences
Classification: Uncertain significance for RECQL4-related condition. Last evaluated: 2026-05-12. Review status: criteria provided, single submitter. Criteria: ACMG Guidelines, 2015. Collection method: clinical testing. Allele origin: germline.
Comment: The RECQL4 c.2545G>A variant is predicted to result in the amino acid substitution p.Val849Met. To our knowledge, this variant has not been reported in the literature. This variant is present in 0.071% of alleles in individuals of African descent in gnomAD and has conflicting interpretations regarding its pathogenicity in ClinVar, ranging from uncertain to likely pathogenic (Variation ID: 239737). At this time, the clinical significance of this variant is uncertain due to the absence of conclusive functional and genetic evidence.

Labcorp Genetics (formerly Invitae), Labcorp
Classification: Uncertain significance for Baller-Gerold syndrome. Last evaluated: 2025-02-02. Review status: criteria provided, single submitter. Criteria: Invitae Variant Classification Sherloc (09022015). Collection method: clinical testing. Allele origin: germline.
Comment: This sequence change replaces valine, which is neutral and non-polar, with methionine, which is neutral and non-polar, at codon 849 of the RECQL4 protein (p.Val849Met). This variant is present in population databases (rs201661055, gnomAD 0.07%). This variant has not been reported in the literature in individuals affected with RECQL4-related conditions. ClinVar contains an entry for this variant (Variation ID: 239737). Invitae Evidence Modeling of protein sequence and biophysical properties (such as structural, functional, and spatial information, amino acid conservation, physicochemical variation, residue mobility, and thermodynamic stability) indicates that this missense variant is expected to disrupt RECQL4 protein function with a positive predictive value of 80%. In summary, the available evidence is currently insufficient to determine the role of this variant in disease. Therefore, it has been classified as a Variant of Uncertain Significance.

St. Jude Molecular Pathology, St. Jude Children's Research Hospital
Classification: Uncertain significance for Rothmund-Thomson syndrome type 2. Last evaluated: 2024-09-15. Review status: criteria provided, single submitter. Criteria: St. Jude Assertion Criteria 2020. Collection method: clinical testing. Allele origin: germline.
Comment: The RECQL4 c.2545G>A (p.Val849Met) missense change has a maximum subpopulation frequency of 0.07% in gnomAD v2.1.1. In silico tools predict a deleterious effect on protein function, but to our knowledge this prediction has not been confirmed by functional studies. To our knowledge, this variant has not been reported in individuals with RECQL4-associated conditions. In summary, the evidence currently available is insufficient to determine the clinical significance of this variant. It has therefore been classified as of uncertain significance.

Blueprint Genetics
Classification: Uncertain significance. Last evaluated: 2024-07-09. Review status: criteria provided, single submitter. Criteria: ACMG Guidelines, 2015. Collection method: clinical testing. Allele origin: germline.

Laboratory of Molecular Epidemiology of Birth Defects, West China Second University Hospital, Sichuan University
Classification: Likely pathogenic for Ovarian cancer. Last evaluated: 2022-01-01. Review status: criteria provided, single submitter. Criteria: ACMG Guidelines, 2015. Collection method: clinical testing. Allele origin: germline. Affected: yes.

Genetic Services Laboratory, University of Chicago
Classification: Uncertain significance. Last evaluated: 2021-07-27. Review status: criteria provided, single submitter. Criteria: ACMG Guidelines, 2015. Collection method: clinical testing. Allele origin: germline. Affected: no.
Comment: DNA sequence analysis of the RECQL4 gene demonstrated a sequence change, c.2545G>A, in exon 15 results in an amino acid change, p.Val849Met. This sequence change does not appear to have been previously described in individuals with RECQL4-related disorders and has been described in the gnomAD database with a low population frequency of 0.071% in the African subpopulation (dbSNP rs201661055). The p.Val849Met change affects a highly conserved amino acid residue located in a domain of the RECQL4 protein that is not known to be functional. The p.Val849Met substitution appears to be deleterious using several in-silico pathogenicity prediction tools (SIFT, PolyPhen2, Align GVGD). Due to these contrasting evidences and the lack of functional studies, the clinical significance of the p.Val849Met change remains unknown at this time.

Eurofins Ntd Llc (ga)
Classification: Uncertain significance. Last evaluated: 2015-07-28. Review status: criteria provided, single submitter. Criteria: EGL Classification Definitions 2015. Collection method: clinical testing. Allele origin: germline. Observed: 1 variant allele, 1 heterozygote.

NM_004260.4(RECQL4):c.2545G>A (p.Val849Met)

Gene: RECQL4 (RecQ like helicase 4; minus strand). Cytogenetic location: 8q24.3.
Variant type: single nucleotide variant.
Coding change: c.2545G>A on transcript NM_004260.4 (MANE Select); coding-DNA position 2545, G replaced by A.
Protein change: p.Val849Met; replaces valine 849 with methionine.
Molecular consequence: missense variant.
Genome position (GRCh38, 1-based): chr8:144,513,057, C>T on the plus strand (G>A on the coding strand, the complement: RECQL4 is on the minus strand). VCF-style: chr8-144513057-C-T. GRCh37 (hg19) VCF-style: chr8-145738440-C-T.
Other names: short protein forms V849M.
Identifiers: ClinVar variation 239737 (VCV000239737.19), dbSNP rs201661055, ClinGen allele CA4948190.